The following is an entry in ClinVar:

ClinVar aggregate classification (germline): Likely benign (1 of 4 stars; one submission).

gnomAD v4.1: 1 of 152,072 alleles (0.00066%); highest among the groups gnomAD compares: East Asian, 0.019%; no homozygotes.

Submission:

Dasa
Classification: Likely benign. Last evaluated: 2026-03-11. Review status: criteria provided, single submitter. Criteria: DASA Assertion Criteria. Collection method: clinical testing. Allele origin: germline.
Comment: NM_000059.4(BRCA2):c.317-171G>A is an intronic variant. The variant context is inconsistent with a known disease-causing mechanism. Computational prediction algorithms are consistent with a benign effect. Therefore, based on the currently available evidence, this variant is classified as likely benign.

NM_000059.4(BRCA2):c.317-171G>A

Gene: BRCA2 (BRCA2 DNA repair associated; plus strand). Cytogenetic location: 13q13.1.
Variant type: single nucleotide variant.
Coding change: c.317-171G>A on transcript NM_000059.4 (MANE Select); 171 bases into the intron before coding-DNA position 317, G replaced by A.
Molecular consequence: intron variant.
Genome position (GRCh38, 1-based): chr13:32,324,905, G>A. VCF-style: chr13-32324905-G-A. GRCh37 (hg19) VCF-style: chr13-32899042-G-A.
Other names: c.317-171G>A (NM_001432077.1, NM_001406720.1, NM_001406719.1 and 1 more transcripts); c.-53-171G>A (NM_001406722.1).
Identifiers: ClinVar variation 4852730 (VCV004852730.2).